The following is an entry in ClinVar:

ClinVar aggregate classification (germline): Benign/Likely benign. Review status: criteria provided, multiple submitters, no conflicts (2 of 4 stars). 9 submissions from 9 submitters: Benign (4); Likely benign (3). 2 of the submissions do not count toward it. Last evaluated 2026-01-14.

Conditions:
LRRK2-related disorder. Also called: LRRK2-related condition.
Autosomal dominant Parkinson disease 8. Also called: LRRK2-Related Parkinson Disease; Parkinson disease 8; Parkinson disease 8, susceptibility to. Identifiers: Orphanet 411602, MedGen C1846862, MONDO:0011764, OMIM 607060.

Allele frequency attached by ClinVar (database versions not stated): gnomAD exomes 0.00175; ExAC 0.00216; gnomAD 0.00677 and 0.00717; TOPMed 0.00767; ESP Exome Variant Server 0.00769; 1000 Genomes Project 0.00879; 1000 Genomes Project 30x 0.00984.
gnomAD v4.1: 1,978 of 1,613,462 alleles (0.12%); highest among the groups gnomAD compares: African/African-American, 2.2%; 20 homozygotes.

Submissions (9):

Labcorp Genetics (formerly Invitae), Labcorp
Classification: Benign for Autosomal dominant Parkinson disease 8. Last evaluated: 2026-01-14. Review status: criteria provided, single submitter. Criteria: Invitae Variant Classification Sherloc (09022015). Collection method: clinical testing. Allele origin: germline.

CeGaT Center for Human Genetics Tuebingen
Classification: Benign. Last evaluated: 2026-01-01. Review status: criteria provided, single submitter. Criteria: CeGaT Center For Human Genetics Tuebingen Variant Classification Criteria Version 2. Collection method: clinical testing. Allele origin: germline. Affected: yes. Observed: 2 variant alleles.
Comment: LRRK2: BP4, BS1, BS2

GeneDx
Classification: Likely benign. Last evaluated: 2024-02-27. Review status: criteria provided, single submitter. Criteria: GeneDx Variant Classification Process June 2021. Collection method: clinical testing. Allele origin: germline. Affected: yes.
Comment: See Variant Classification Assertion Criteria.

Fulgent Genetics
Classification: Likely benign for Autosomal dominant Parkinson disease 8. Last evaluated: 2021-07-29. Review status: criteria provided, single submitter. Criteria: ACMG Guidelines, 2015. Collection method: clinical testing. Allele origin: unknown.

Athena Diagnostics
Classification: Benign. Last evaluated: 2018-09-14. Review status: criteria provided, single submitter. Criteria: Athena Diagnostics Criteria. Collection method: clinical testing. Allele origin: germline.

Illumina Laboratory Services, Illumina
Classification: Benign for Autosomal dominant Parkinson disease 8. Last evaluated: 2018-01-13. Review status: criteria provided, single submitter. Criteria: ICSL Variant Classification Criteria 13 December 2019. Collection method: clinical testing. Allele origin: germline.
Comment: This variant was observed in the ICSL laboratory as part of a predisposition screen in an ostensibly healthy population. It had not been previously curated by ICSL or reported in the Human Gene Mutation Database (HGMD: prior to June 1st, 2018), and was therefore a candidate for classification through an automated scoring system. Utilizing variant allele frequency, disease prevalence and penetrance estimates, and inheritance mode, an automated score was calculated to assess if this variant is too frequent to cause the disease. Based on the score and internal cut-off values, a variant classified as benign is not then subjected to further curation. The score for this variant resulted in a classification of benign for this disease.

Breakthrough Genomics
Classification: Likely benign. Review status: criteria provided, single submitter. Criteria: ACMG Guidelines, 2015. Collection method: not provided. Allele origin: germline. Inheritance: Autosomal dominant inheritance. Affected: yes.

PreventionGenetics, part of Exact Sciences
Classification: Benign for LRRK2-related condition. Last evaluated: 2019-05-02. Review status: no assertion criteria provided. Collection method: clinical testing. Allele origin: germline. Not counted in ClinVar's aggregate classification.
Comment: This variant is classified as benign based on ACMG/AMP sequence variant interpretation guidelines (Richards et al. 2015 PMID: 25741868, with internal and published modifications).

GeneReviews
No classification provided. Condition: Autosomal dominant Parkinson disease 8. Review status: no classification provided. Collection method: literature only. Allele origin: unknown. Not counted in ClinVar's aggregate classification.

Literature cited by the submitters: PubMed 16172858 (cited by Athena Diagnostics); PubMed 21885347 (cited by Athena Diagnostics); PubMed 29369408 (cited by Athena Diagnostics); PubMed 20721913 (cited by Athena Diagnostics); PubMed 20301387 (cited by GeneReviews); NCBI Bookshelf NBK1208 (cited by GeneReviews).

NM_198578.4(LRRK2):c.3784C>G (p.Pro1262Ala)

Gene: LRRK2 (leucine rich repeat kinase 2; plus strand). Cytogenetic location: 12q12.
Variant type: single nucleotide variant.
Coding change: c.3784C>G on transcript NM_198578.4 (MANE Select); coding-DNA position 3784, C replaced by G.
Protein change: p.Pro1262Ala; replaces proline 1262 with alanine.
Molecular consequence: missense variant.
Genome position (GRCh38, 1-based): chr12:40,305,791, C>G. VCF-style: chr12-40305791-C-G. GRCh37 (hg19) VCF-style: chr12-40699593-C-G.
Other names: short protein forms P1262A.
Identifiers: ClinVar variation 39173 (VCV000039173.33), dbSNP rs4640000, ClinGen allele CA343557.
Genomic context (GRCh38, chr12:40,305,791, plus strand): 5'-GAGCACATTTCTTCCTTCCCACCAACAGGTTTTGCCCTTTTTTTTCCCATTAAGATTCCT[C>G]CTGAGATTGGCTGTCTTGAAAATCTGACATCTCTGGATGTCAGTTACAACTTGGAACTAA-3'
Protein context (NP_940980.4, residues 1252-1272): LSHNKLKEIP[Pro1262Ala]EIGCLENLTS